The following is an entry in ClinVar:

NM_001242896.3(DEPDC5):c.3385T>C (p.Cys1129Arg)

Gene: DEPDC5 (DEP domain containing 5, GATOR1 subcomplex subunit; plus strand). Cytogenetic location: 22q12.3.
Variant type: single nucleotide variant.
Coding change: c.3385T>C on transcript NM_001242896.3 (MANE Select); coding-DNA position 3385, T replaced by C.
Protein change: p.Cys1129Arg; replaces cysteine 1129 with arginine.
Molecular consequence: missense variant. On other transcripts: non-coding transcript variant (5).
Genome position (GRCh38, 1-based): chr22:31,870,644, T>C. VCF-style: chr22-31870644-T-C. GRCh37 (hg19) VCF-style: chr22-32266630-T-C.
Other names: c.3358T>C, p.Cys1120Arg (NM_001136029.4); c.3085T>C, p.Cys1029Arg (NM_001242897.2); c.3319T>C, p.Cys1107Arg (NM_001363852.2, NM_001364320.2); c.3151T>C, p.Cys1051Arg (NM_001363854.2, NM_001364319.2); c.3385T>C, p.Cys1129Arg (NM_001364318.2); c.3301T>C, p.Cys1101Arg (NM_001369901.1, NM_001369902.1); c.3292T>C, p.Cys1098Arg (NM_001369903.1, NM_014662.6); short protein forms C1051R, C1098R, C1120R, C1029R, C1101R, C1107R, C1129R.
Identifiers: ClinVar variation 1038431 (VCV001038431.8), dbSNP rs1037109139, ClinGen allele CA323361394.

ClinVar aggregate classification (germline): Uncertain significance (1 of 4 stars; one submission).

Conditions:
Familial focal epilepsy with variable foci (FPEVF). Identifiers: Orphanet 98820, MedGen C1858477, MONDO:0020310.

Allele frequency attached by ClinVar (database versions not stated): gnomAD exomes below 0.00001; gnomAD 0.00001 and 0.00002; TOPMed 0.00002.
gnomAD v4.1: 6 of 1,603,012 alleles (0.00037%); highest among the groups gnomAD compares: Admixed American, 0.0017%; no homozygotes.

Submission:

Labcorp Genetics (formerly Invitae), Labcorp
Classification: Uncertain significance for Familial focal epilepsy with variable foci. Last evaluated: 2024-06-15. Review status: criteria provided, single submitter. Criteria: Invitae Variant Classification Sherloc (09022015). Collection method: clinical testing. Allele origin: germline.
Comment: This sequence change replaces cysteine, which is neutral and slightly polar, with arginine, which is basic and polar, at codon 1129 of the DEPDC5 protein (p.Cys1129Arg). This variant is present in population databases (no rsID available, gnomAD 0.0009%). This variant has not been reported in the literature in individuals affected with DEPDC5-related conditions. ClinVar contains an entry for this variant (Variation ID: 1038431). Experimental studies and prediction algorithms are not available or were not evaluated, and the functional significance of this variant is currently unknown. In summary, the available evidence is currently insufficient to determine the role of this variant in disease. Therefore, it has been classified as a Variant of Uncertain Significance.